The following is an entry in ClinVar:

ClinVar aggregate classification (germline): Benign. Review status: criteria provided, multiple submitters, no conflicts (2 of 4 stars). 2 submissions from 2 submitters: Benign (2). Last evaluated 2024-07-31.

Submissions (2):

Unidad de Genómica Garrahan, Hospital de Pediatría Garrahan
Classification: Benign. Last evaluated: 2024-07-31. Review status: criteria provided, single submitter. Criteria: ACMG Guidelines, 2015. Collection method: clinical testing. Allele origin: germline. Affected: no. Observed: 56 variant alleles.
Comment: This variant is classified as Benign based on local population frequency. This variant was detected in 60% of patients studied in a panel designed for Epileptic and Developmental Encephalopathy, Progressive Myoclonus Epilepsy and Abnormal Movements and Neurodegeneration with brain iron accumulation. Number of patients: 56. Only high quality variants are reported.

GeneDx
Classification: Benign. Last evaluated: 2019-04-24. Review status: criteria provided, single submitter. Criteria: GeneDx Variant Classification Process June 2021. Collection method: clinical testing. Allele origin: germline. Affected: yes.

NM_001040142.2(SCN2A):c.3400-74del

Gene: SCN2A (sodium voltage-gated channel alpha subunit 2; plus strand). Cytogenetic location: 2q24.3.
Variant type: Deletion.
Coding change: c.3400-74del on transcript NM_001040142.2 (MANE Select); 74 bases into the intron before coding-DNA position 3400, one base deleted (G; older notation c.3400-74delG).
Molecular consequence: intron variant.
Genome position (GRCh38, 1-based): chr2:165,365,069, G deleted; the last of 10 consecutive G bases (chr2:165,365,060-165,365,069); deleting any one gives the same sequence. VCF-style (leftmost placement, unchanged base first): chr2-165365059-TG-T. GRCh37 (hg19) VCF-style: chr2-166221569-TG-T.
Other names: c.3400-74del (NM_001040143.2, NM_001371246.1, NM_001371247.1 and 1 more transcripts).
Identifiers: ClinVar variation 1232384 (VCV001232384.5), dbSNP rs3835933, ClinGen allele CA59730631.